The following is an entry in ClinVar:

NM_020706.2(SCAF4):c.1861_1862del (p.Leu621fs)

Gene: SCAF4 (SR-related CTD associated factor 4; minus strand). Cytogenetic location: 21q22.11.
Variant type: Deletion.
Coding change: c.1861_1862del on transcript NM_020706.2 (MANE Select); coding-DNA positions 1861 to 1862, 2 bases deleted (TT; older notation c.1861_1862delTT).
Protein change: p.Leu621fs; shifts the reading frame from leucine 621.
Molecular consequence: frameshift variant.
Genome position (GRCh38, 1-based): chr21:31,690,820-31,690,821, AA deleted on the plus strand (TT on the coding strand, the reverse complement: SCAF4 is on the minus strand). VCF-style (leftmost placement, unchanged base first): chr21-31690819-CAA-C. GRCh37 (hg19) VCF-style: chr21-33063132-CAA-C.
Other names: c.1816_1817del, p.Leu606fs (NM_001145444.1); c.1861_1862del, p.Leu621fs (NM_001145445.1); short protein forms L606fs, L621fs.
Identifiers: ClinVar variation 3340494 (VCV003340494.1).

ClinVar aggregate classification (germline): Likely pathogenic (1 of 4 stars; one submission).

Conditions:
Fliedner-Zweier syndrome (FZS). Identifiers: MedGen C5882693, MONDO:0957787, OMIM 620511.

Submission:

Diagnostics Services (NGS), CSIR - Centre For Cellular And Molecular Biology
Classification: Likely pathogenic for Fliedner-Zweier syndrome. Last evaluated: 2024-07-19. Review status: criteria provided, single submitter. Criteria: ACMG Guidelines, 2015. Collection method: clinical testing. Allele origin: unknown. Affected: yes. Observed: 1 variant allele, 1 heterozygote.
Comment: The c.1861_1862del variant is not present in publicly available population databases like 1000 Genomes, EVS, ExAC, gnomAD, Indian Exome Database or our in-house exome database. This variant has neither been published in literature in individuals affected with SCAF4-related conditions nor reported to clinical databases like ClinVar, Human Gene Mutation Database (HGMD) or OMIM, in any affected individuals. In-silico pathogenicity prediction programs like MutationTaster2, CADD, Varsome, Franklin etc predicted this variant to be likely deleterious. This variant causes frameshift at the 621th position of the wild-type transcript that creates a premature translational stop signal at the altered transcript that may either result in translation of a truncated protein or cause nonsense mediated decay of the mRNA.